The following is an entry in ClinVar:

ClinVar aggregate classification (germline): Likely benign (1 of 4 stars; one submission).

gnomAD v4.1: 4 of 1,023,000 alleles (0.00039%); highest among the groups gnomAD compares: Non-Finnish European, 0.00047%; no homozygotes.

Submission:

CeGaT Center for Human Genetics Tuebingen
Classification: Likely benign. Last evaluated: 2026-05-01. Review status: criteria provided, single submitter. Criteria: CeGaT Center For Human Genetics Tuebingen Variant Classification Criteria Version 2. Collection method: clinical testing. Allele origin: germline. Affected: yes. Observed: 1 variant allele.
Comment: FZD8: BP4, BP7

NM_031866.3(FZD8):c.1104C>G (p.Gly368=)

Gene: FZD8 (frizzled class receptor 8; minus strand). Cytogenetic location: 10p11.21.
Variant type: single nucleotide variant.
Coding change: c.1104C>G on transcript NM_031866.3 (MANE Select); coding-DNA position 1104, C replaced by G.
Protein change: p.Gly368=; no amino-acid change (glycine 368 retained).
Molecular consequence: synonymous variant.
Genome position (GRCh38, 1-based): chr10:35,640,326, G>C on the plus strand (C>G on the coding strand, the complement: FZD8 is on the minus strand). VCF-style: chr10-35640326-G-C. GRCh37 (hg19) VCF-style: chr10-35929254-G-C.
Identifiers: ClinVar variation 4872817 (VCV004872817.2).